The following is an entry in ClinVar:

ClinVar aggregate classification (germline): Uncertain significance (1 of 4 stars; one submission).

Conditions:
Primary ciliary dyskinesia. Also called: Ciliary dyskinesia. Identifiers: Orphanet 244, MedGen C0008780, MONDO:0016575, HP:0012265.

Allele frequency attached by ClinVar (database versions not stated): gnomAD exomes below 0.00001.
gnomAD v4.1: 3 of 1,613,932 alleles (0.00019%); highest among the groups gnomAD compares: Non-Finnish European, 0.00017%; no homozygotes.

Submission:

Labcorp Genetics (formerly Invitae), Labcorp
Classification: Uncertain significance for Primary ciliary dyskinesia. Last evaluated: 2023-07-07. Review status: criteria provided, single submitter. Criteria: Invitae Variant Classification Sherloc (09022015). Collection method: clinical testing. Allele origin: germline.
Comment: This variant has not been reported in the literature in individuals affected with DNAH11-related conditions. This variant is not present in population databases (gnomAD no frequency). This sequence change replaces glutamic acid, which is acidic and polar, with valine, which is neutral and non-polar, at codon 824 of the DNAH11 protein (p.Glu824Val). ClinVar contains an entry for this variant (Variation ID: 2109905). In summary, the available evidence is currently insufficient to determine the role of this variant in disease. Therefore, it has been classified as a Variant of Uncertain Significance. Advanced modeling of protein sequence and biophysical properties (such as structural, functional, and spatial information, amino acid conservation, physicochemical variation, residue mobility, and thermodynamic stability) performed at Invitae indicates that this missense variant is not expected to disrupt DNAH11 protein function.

NM_001277115.2(DNAH11):c.2471A>T (p.Glu824Val)

Gene: DNAH11 (dynein axonemal heavy chain 11; plus strand). Cytogenetic location: 7p15.3.
Variant type: single nucleotide variant.
Coding change: c.2471A>T on transcript NM_001277115.2 (MANE Select); coding-DNA position 2471, A replaced by T.
Protein change: p.Glu824Val; replaces glutamic acid 824 with valine.
Molecular consequence: missense variant.
Genome position (GRCh38, 1-based): chr7:21,591,381, A>T. VCF-style: chr7-21591381-A-T. GRCh37 (hg19) VCF-style: chr7-21630999-A-T.
Other names: c.2471A>T, p.Glu824Val (NM_003777.3); short protein forms E824V.
Identifiers: ClinVar variation 2109905 (VCV002109905.2), dbSNP rs2534598685, ClinGen allele CA366942776.